The following is an entry in ClinVar:

NM_006031.6(PCNT):c.4447-2A>G

Gene: PCNT (pericentrin; plus strand). Cytogenetic location: 21q22.3.
Variant type: single nucleotide variant.
Coding change: c.4447-2A>G on transcript NM_006031.6 (MANE Select); the canonical splice acceptor site of the intron before coding-DNA position 4447, A replaced by G.
Molecular consequence: splice acceptor variant.
Genome position (GRCh38, 1-based): chr21:46,398,012, A>G. VCF-style: chr21-46398012-A-G. GRCh37 (hg19) VCF-style: chr21-47817926-A-G.
Other names: c.4093-2A>G (NM_001315529.2); c.4447-2A>G (NM_006031.5).
Identifiers: ClinVar variation 1067208 (VCV001067208.15), dbSNP rs760664460, ClinGen allele CA10079648.
Genomic context (GRCh38, chr21:46,398,012, plus strand): 5'-TTCGCTGCAAGGGGCACGCCAGCCCCGTTGGGGTGGTCCCAACACGCTGCCTCTCCTCCC[A>G]GGAGCAGGCAGCCGAGCGGGAGCACGAGCGCGAGGAGTTCCAGCAGGAGATTCAGAGGCT-3'

ClinVar aggregate classification (germline): Conflicting classifications of pathogenicity. Review status: criteria provided, conflicting classifications (1 of 4 stars). 5 submissions from 5 submitters: Likely pathogenic (3); Uncertain significance (1). 1 of the submissions does not count toward it. Last evaluated 2025-03-11.

Conditions:
PCNT-related disorder. Also called: PCNT-related condition.
Microcephalic osteodysplastic primordial dwarfism type II (MOPD2). Also called: OSTEODYSPLASTIC PRIMORDIAL DWARFISM, TYPE II; MOPD II; Microcephalic osteodysplastic primordial dwarfism with tooth abnormalities. Identifiers: Orphanet 2637, MedGen C0432246, MONDO:0008872, OMIM 210720.

Allele frequency attached by ClinVar (database versions not stated): gnomAD exomes 0.00006 and 0.00011; gnomAD 0.00009 and 0.00010; TOPMed 0.00011; ExAC 0.00015.

Submissions (7):

Labcorp Genetics (formerly Invitae), Labcorp
Classification: Likely pathogenic. Last evaluated: 2025-03-11. Review status: criteria provided, single submitter. Criteria: Invitae Variant Classification Sherloc (09022015). Collection method: clinical testing. Allele origin: germline.
Comment: This sequence change affects an acceptor splice site in intron 22 of the PCNT gene. It is expected to disrupt RNA splicing. Variants that disrupt the donor or acceptor splice site typically lead to a loss of protein function (PMID: 16199547), and loss-of-function variants in PCNT are known to be pathogenic (PMID: 18174396, 22821869). This variant is present in population databases (rs760664460, gnomAD 0.02%). This variant has not been reported in the literature in individuals affected with PCNT-related conditions. ClinVar contains an entry for this variant (Variation ID: 1067208). Algorithms developed to predict the effect of sequence changes on RNA splicing suggest that this variant may disrupt the consensus splice site. In summary, the currently available evidence indicates that the variant is pathogenic, but additional data are needed to prove that conclusively. Therefore, this variant has been classified as Likely Pathogenic.

Blueprint Genetics
Classification: Uncertain significance. Last evaluated: 2024-11-06. Review status: criteria provided, single submitter. Criteria: ACMG Guidelines, 2015. Collection method: clinical testing. Allele origin: germline.

Fulgent Genetics
Classification: Likely pathogenic for Microcephalic osteodysplastic primordial dwarfism type II. Last evaluated: 2024-05-31. Review status: criteria provided, single submitter. Criteria: ACMG Guidelines, 2015. Collection method: clinical testing. Allele origin: germline.

Daryl Scott Lab, Baylor College of Medicine
Classification: Likely pathogenic for Microcephalic osteodysplastic primordial dwarfism type II. Review status: criteria provided, single submitter. Criteria: ACMG Guidelines, 2015. Collection method: clinical testing. Allele origin: unknown. Affected: yes. Observed: 1 heterozygote.
Comment: PVS1

PreventionGenetics, part of Exact Sciences
Classification: Likely pathogenic for PCNT-related condition. Last evaluated: 2024-02-13. Review status: no assertion criteria provided. Collection method: clinical testing. Allele origin: germline. Not counted in ClinVar's aggregate classification.
Comment: The PCNT c.4447-2A>G variant is predicted to disrupt the AG splice acceptor site and interfere with normal splicing. To our knowledge, this variant has not been reported in the literature. This variant is reported in 0.018% of alleles in individuals of East Asian descent in gnomAD. Variants that disrupt the consensus splice acceptor site in PCNT are expected to be pathogenic. This variant is interpreted as likely pathogenic.

Dr. Peter K. Rogan Lab, Western University
No classification provided (evidence only). Condition: Melanoma. Review status: no classification provided. Collection method: in vitro. Allele origin: not applicable. Functional consequence: retained intron. Not counted in ClinVar's aggregate classification.

Dr. Peter K. Rogan Lab, Western University
No classification provided (evidence only). Condition: Sarcoma. Review status: no classification provided. Collection method: in vitro. Allele origin: not applicable. Functional consequence: retained intron. Not counted in ClinVar's aggregate classification.

Literature cited by the submitters: PubMed 16199547 (cited by Labcorp Genetics (formerly Invitae), Labcorp); PubMed 18174396 (cited by Labcorp Genetics (formerly Invitae), Labcorp); PubMed 22821869 (cited by Labcorp Genetics (formerly Invitae), Labcorp).